The following is an entry in ClinVar:

ClinVar aggregate classification (germline): Uncertain significance (1 of 4 stars; one submission).

Conditions:
Exostoses, multiple, type 2 (EXT2). Also called: Hereditary Multiple Osteochondromatosis, Type II; EXOSTOSES, MULTIPLE, TYPE II. Identifiers: Orphanet 321, MedGen C1851413, MONDO:0007586, OMIM 133701.

gnomAD v4.1: 37 of 1,614,090 alleles (0.0023%); highest among the groups gnomAD compares: Non-Finnish European, 0.0029%; no homozygotes.

Submission:

Labcorp Genetics (formerly Invitae), Labcorp
Classification: Uncertain significance for Exostoses, multiple, type 2. Last evaluated: 2024-06-16. Review status: criteria provided, single submitter. Criteria: Invitae Variant Classification Sherloc (09022015). Collection method: clinical testing. Allele origin: germline.
Comment: This sequence change replaces tryptophan, which is neutral and slightly polar, with cysteine, which is neutral and slightly polar, at codon 56 of the EXT2 protein (p.Trp56Cys). This variant is present in population databases (rs752132275, gnomAD 0.0009%). This variant has not been reported in the literature in individuals affected with EXT2-related conditions. An algorithm developed to predict the effect of missense changes on protein structure and function (PolyPhen-2) suggests that this variant is likely to be tolerated. In summary, the available evidence is currently insufficient to determine the role of this variant in disease. Therefore, it has been classified as a Variant of Uncertain Significance.

NM_207122.2(EXT2):c.168G>T (p.Trp56Cys)

Gene: EXT2 (exostosin glycosyltransferase 2; plus strand). Cytogenetic location: 11p11.2.
Variant type: single nucleotide variant.
Coding change: c.168G>T on transcript NM_207122.2 (MANE Select); coding-DNA position 168, G replaced by T.
Protein change: p.Trp56Cys; replaces tryptophan 56 with cysteine.
Molecular consequence: missense variant.
Genome position (GRCh38, 1-based): chr11:44,107,880, G>T. VCF-style: chr11-44107880-G-T. GRCh37 (hg19) VCF-style: chr11-44129430-G-T.
Other names: c.267G>T, p.Trp89Cys (NM_000401.3); c.168G>T, p.Trp56Cys (NM_001178083.3, NM_001389628.1, NM_001389630.1); short protein forms W56C, W89C.
Identifiers: ClinVar variation 3717148 (VCV003717148.2).